The following is an entry in ClinVar:

NM_000080.4(CHRNE):c.359T>C (p.Phe120Ser)

Genes: C17orf107 (chromosome 17 open reading frame 107; plus strand), CHRNE (cholinergic receptor nicotinic epsilon subunit; minus strand). Cytogenetic location: 17p13.2.
Variant type: single nucleotide variant.
Coding change: c.359T>C on transcript NM_000080.4 (MANE Select); coding-DNA position 359, T replaced by C.
Protein change: p.Phe120Ser; replaces phenylalanine 120 with serine.
Molecular consequence: missense variant. On other transcripts: 3 prime UTR variant (1).
Genome position (GRCh38, 1-based): chr17:4,902,073, A>G on the plus strand (T>C on the coding strand, the complement: CHRNE is on the minus strand). VCF-style: chr17-4902073-A-G. GRCh37 (hg19) VCF-style: chr17-4805368-A-G.
Other names: c.*1540A>G (NM_001145536.2); short protein forms F120S.
Identifiers: ClinVar variation 965374 (VCV000965374.8), dbSNP rs771356927, ClinGen allele CA8314478.
Genomic context (GRCh38, chr17:4,902,073, plus strand): 5'-GGCAGCCACGTCACGGAGCCGCCCTCGTAGACGAGCACGTTGGCGTCGTAGGCCACTCCG[A>G]ACTGGCCATCAATACTGTGGGCTCGGGGAAACCGAGCTTTTTGCACAGGTCTGCACCCTC-3'
Protein context (NP_000071.1, residues 110-130): IVLENNIDGQ[Phe120Ser]GVAYDANVLV

ClinVar aggregate classification (germline): Uncertain significance. Review status: criteria provided, multiple submitters, no conflicts (2 of 4 stars). 4 submissions from 4 submitters: Uncertain significance (3). 1 of the submissions does not count toward it. Last evaluated 2026-06-24.

Conditions:
Inborn genetic diseases. Identifiers: MedGen C0950123, MeSH D030342.
Congenital myasthenic syndrome (CMS). Also called: Congenital Myasthenic Syndromes. Identifiers: Orphanet 590, MedGen C0751882, MeSH D020294, MONDO:0018940.
Congenital myasthenic syndrome 4A. Also called: CONGENITAL MYASTHENIC SYNDROME TYPE Ia1; Myasthenic syndrome, congenital, 4a, slow-channel; MYASTHENIC SYNDROME, CONGENITAL, 4A, SLOW-CHANNEL, AUTOSOMAL RECESSIVE. Identifiers: Orphanet 590, MedGen C4225413, MONDO:0011600, OMIM 605809.

Allele frequency attached by ClinVar (database versions not stated): TOPMed 0.00002; gnomAD exomes 0.00003 and 0.00008; gnomAD 0.00001; ExAC 0.00004.
gnomAD v4.1: 113 of 1,613,860 alleles (0.007%); highest among the groups gnomAD compares: Non-Finnish European, 0.0092%; no homozygotes.

Submissions (4):

Ambry Genetics
Classification: Uncertain significance for Inborn genetic diseases. Last evaluated: 2026-06-24. Review status: criteria provided, single submitter. Criteria: Ambry Variant Classification Scheme 2023. Collection method: clinical testing. Allele origin: germline.

Labcorp Genetics (formerly Invitae), Labcorp
Classification: Uncertain significance for Congenital myasthenic syndrome 4A. Last evaluated: 2024-12-05. Review status: criteria provided, single submitter. Criteria: Invitae Variant Classification Sherloc (09022015). Collection method: clinical testing. Allele origin: germline.
Comment: This sequence change replaces phenylalanine, which is neutral and non-polar, with serine, which is neutral and polar, at codon 120 of the CHRNE protein (p.Phe120Ser). This variant is present in population databases (rs771356927, gnomAD 0.005%). This variant has not been reported in the literature in individuals affected with CHRNE-related conditions. ClinVar contains an entry for this variant (Variation ID: 965374). Invitae Evidence Modeling of protein sequence and biophysical properties (such as structural, functional, and spatial information, amino acid conservation, physicochemical variation, residue mobility, and thermodynamic stability) has been performed for this missense variant. However, the output from this modeling did not meet the statistical confidence thresholds required to predict the impact of this variant on CHRNE protein function. In summary, the available evidence is currently insufficient to determine the role of this variant in disease. Therefore, it has been classified as a Variant of Uncertain Significance.

Revvity Omics, Revvity
Classification: Uncertain significance. Last evaluated: 2020-10-26. Review status: criteria provided, single submitter. Criteria: ACMG Guidelines, 2015. Collection method: clinical testing. Allele origin: germline.

Natera, Inc.
Classification: Uncertain significance for Congenital myasthenic syndrome. Last evaluated: 2020-01-11. Review status: no assertion criteria provided. Collection method: clinical testing. Allele origin: germline. Not counted in ClinVar's aggregate classification.